The following is an entry in ClinVar:

ClinVar aggregate classification (germline): Uncertain significance. Review status: criteria provided, multiple submitters, no conflicts (2 of 4 stars). 2 submissions from 2 submitters: Uncertain significance (2). Last evaluated 2022-10-17.

Allele frequency attached by ClinVar (database versions not stated): gnomAD exomes below 0.00001; TOPMed below 0.00001.
gnomAD v4.1: 1 of 1,614,120 alleles (0.000062%); highest among the groups gnomAD compares: Admixed American, 0.0017%; no homozygotes.

Submissions (2):

GeneDx
Classification: Uncertain significance. Last evaluated: 2022-10-17. Review status: criteria provided, single submitter. Criteria: GeneDx Variant Classification Process June 2021. Collection method: clinical testing. Allele origin: germline. Affected: yes.
Comment: Not observed at significant frequency in large population cohorts (gnomAD); In silico analysis supports that this missense variant has a deleterious effect on protein structure/function; Has not been previously published as pathogenic or benign to our knowledge

Labcorp Genetics (formerly Invitae), Labcorp
Classification: Uncertain significance. Last evaluated: 2022-09-21. Review status: criteria provided, single submitter. Criteria: Invitae Variant Classification Sherloc (09022015). Collection method: clinical testing. Allele origin: germline.
Comment: This sequence change replaces glycine, which is neutral and non-polar, with aspartic acid, which is acidic and polar, at codon 85 of the ATP6V1B1 protein (p.Gly85Asp). This variant is not present in population databases (gnomAD no frequency). This variant has not been reported in the literature in individuals affected with ATP6V1B1-related conditions. Advanced modeling of protein sequence and biophysical properties (such as structural, functional, and spatial information, amino acid conservation, physicochemical variation, residue mobility, and thermodynamic stability) performed at Invitae indicates that this missense variant is not expected to disrupt ATP6V1B1 protein function. In summary, the available evidence is currently insufficient to determine the role of this variant in disease. Therefore, it has been classified as a Variant of Uncertain Significance.

NM_001692.4(ATP6V1B1):c.254G>A (p.Gly85Asp)

Gene: ATP6V1B1 (ATPase H+ transporting V1 subunit B1; plus strand). Cytogenetic location: 2p13.3.
Variant type: single nucleotide variant.
Coding change: c.254G>A on transcript NM_001692.4 (MANE Select); coding-DNA position 254, G replaced by A.
Protein change: p.Gly85Asp; replaces glycine 85 with aspartic acid.
Molecular consequence: missense variant.
Genome position (GRCh38, 1-based): chr2:70,958,125, G>A. VCF-style: chr2-70958125-G-A. GRCh37 (hg19) VCF-style: chr2-71185255-G-A.
Other names: c.254G>A (NM_001692.3); short protein forms G85D.
Identifiers: ClinVar variation 1925461 (VCV001925461.3), dbSNP rs963949766, ClinGen allele CA347180779.